The following is an entry in ClinVar:

NM_000629.3(IFNAR1):c.547A>G (p.Ile183Val)

Gene: IFNAR1 (interferon alpha and beta receptor subunit 1; plus strand). Cytogenetic location: 21q22.11.
Variant type: single nucleotide variant.
Coding change: c.547A>G on transcript NM_000629.3 (MANE Select); coding-DNA position 547, A replaced by G.
Protein change: p.Ile183Val; replaces isoleucine 183 with valine.
Molecular consequence: missense variant. On other transcripts: 5 prime UTR variant (1).
Genome position (GRCh38, 1-based): chr21:33,343,550, A>G. VCF-style: chr21-33343550-A-G. GRCh37 (hg19) VCF-style: chr21-34715856-A-G.
Other names: c.547A>G, p.Ile183Val (NM_001384498.1, NM_001384499.1, NM_001384501.1 and 1 more transcripts); c.-216A>G (NM_001384500.1); c.85A>G, p.Ile29Val (NM_001384502.1); c.340A>G, p.Ile114Val (NM_001384504.1); short protein forms I114V, I183V, I29V.
Identifiers: ClinVar variation 1378891 (VCV001378891.8), dbSNP rs770624214, ClinGen allele CA10006522.
Genomic context (GRCh38, chr21:33,343,550, plus strand): 5'-TGACTTTATACTTTTTTAAAGAACCAACTTATATTTGTGTTATAGGAAAGGATTGAAAAT[A>G]TTTATTCCAGACATAAAATTTATAAACTCTCACCAGAGACTACTTATTGTCTAAAAGTTA-3'
Protein context (NP_000620.2, residues 173-193): SSGVEERIEN[Ile183Val]YSRHKIYKLS

ClinVar aggregate classification (germline): Uncertain significance (1 of 4 stars; one submission).

Allele frequency attached by ClinVar (database versions not stated): gnomAD 0.00001; gnomAD exomes 0.00002; ExAC 0.00003.
gnomAD v4.1: 25 of 1,543,512 alleles (0.0016%); highest among the groups gnomAD compares: South Asian, 0.021%; no homozygotes.

Submission:

Labcorp Genetics (formerly Invitae), Labcorp
Classification: Uncertain significance. Last evaluated: 2021-07-15. Review status: criteria provided, single submitter. Criteria: Invitae Variant Classification Sherloc (09022015). Collection method: clinical testing. Allele origin: germline.
Comment: Algorithms developed to predict the effect of missense changes on protein structure and function output the following: SIFT: "Tolerated"; PolyPhen-2: "Benign"; Align-GVGD: "Class C0". The valine amino acid residue is found in multiple mammalian species, which suggests that this missense change does not adversely affect protein function. This sequence change replaces isoleucine with valine at codon 183 of the IFNAR1 protein (p.Ile183Val). The isoleucine residue is weakly conserved and there is a small physicochemical difference between isoleucine and valine. This variant is present in population databases (rs770624214, ExAC 0.01%). This variant has not been reported in the literature in individuals affected with IFNAR1-related conditions. In summary, the available evidence is currently insufficient to determine the role of this variant in disease. Therefore, it has been classified as a Variant of Uncertain Significance.